The following is an entry in ClinVar:

NM_012330.4(KAT6B):c.4003C>T (p.Pro1335Ser)

Gene: KAT6B (lysine acetyltransferase 6B; plus strand). Cytogenetic location: 10q22.2.
Variant type: single nucleotide variant.
Coding change: c.4003C>T on transcript NM_012330.4 (MANE Select); coding-DNA position 4003, C replaced by T.
Protein change: p.Pro1335Ser; replaces proline 1335 with serine.
Molecular consequence: missense variant.
Genome position (GRCh38, 1-based): chr10:75,028,827, C>T. VCF-style: chr10-75028827-C-T. GRCh37 (hg19) VCF-style: chr10-76788585-C-T.
Other names: c.2965C>T, p.Pro989Ser (NM_001370132.1); c.2314C>T, p.Pro772Ser (NM_001370133.1); c.1918C>T, p.Pro640Ser (NM_001370134.1); c.1660C>T, p.Pro554Ser (NM_001370135.1); c.4003C>T, p.Pro1335Ser (NM_001370136.1, NM_001370137.1); c.3454C>T, p.Pro1152Ser (NM_001370138.1, NM_001256468.2); c.3127C>T, p.Pro1043Ser (NM_001370139.1, NM_001370140.1, NM_001370141.1 and 2 more transcripts); c.2938C>T, p.Pro980Ser (NM_001370143.1, NM_001370144.1); short protein forms P1043S, P554S, P772S, P980S, P989S, P1152S, P640S, P1335S.
Identifiers: ClinVar variation 3713791 (VCV003713791.2).

ClinVar aggregate classification (germline): Uncertain significance (1 of 4 stars; one submission).

Conditions:
Genitopatellar syndrome (GTPTS). Also called: ABSENT PATELLAE, SCROTAL HYPOPLASIA, RENAL ANOMALIES, FACIAL DYSMORPHISM, AND MENTAL RETARDATION; Genitopatellar syndrome (GPS). Identifiers: Orphanet 85201, MedGen C1853566, MONDO:0011640, OMIM 606170.

Submission:

Labcorp Genetics (formerly Invitae), Labcorp
Classification: Uncertain significance for Genitopatellar syndrome. Last evaluated: 2024-05-28. Review status: criteria provided, single submitter. Criteria: Invitae Variant Classification Sherloc (09022015). Collection method: clinical testing. Allele origin: germline.
Comment: This sequence change replaces proline, which is neutral and non-polar, with serine, which is neutral and polar, at codon 1335 of the KAT6B protein (p.Pro1335Ser). This variant is not present in population databases (gnomAD no frequency). This variant has not been reported in the literature in individuals affected with KAT6B-related conditions. Advanced modeling of protein sequence and biophysical properties (such as structural, functional, and spatial information, amino acid conservation, physicochemical variation, residue mobility, and thermodynamic stability) performed at Invitae indicates that this missense variant is not expected to disrupt KAT6B protein function with a negative predictive value of 80%. In summary, the available evidence is currently insufficient to determine the role of this variant in disease. Therefore, it has been classified as a Variant of Uncertain Significance.